The following is an entry in ClinVar:

ClinVar aggregate classification (germline): Likely pathogenic (1 of 4 stars; one submission).

Conditions:
Noonan syndrome 10 (NS10). Identifiers: Orphanet 648, MedGen C4225280, MONDO:0014693, OMIM 616564.
LZTR1-related schwannomatosis. Also called: Schwannomatosis-2, susceptibility to; Schwannomatosis 2. Identifiers: Orphanet 93921, MedGen C3810283, MONDO:0014299, OMIM 615670.
Noonan syndrome 2 (NS2). Identifiers: Orphanet 648, MedGen C1854469, MONDO:0011531, OMIM 605275.

Submission:

Juno Genomics, Hangzhou Juno Genomics, Inc
Classification: Likely pathogenic for LZTR1-related schwannomatosis; Noonan syndrome 10; Noonan syndrome 2. Review status: criteria provided, single submitter. Criteria: ACMG Guidelines, 2015. Collection method: clinical testing. Allele origin: germline.
Comment: Null variant in a gene where loss of function (LOF) is a known mechanism of disease.;Absent from controls (or at extremely low frequency if recessive) in Genome Aggregation Database.

NM_006767.4(LZTR1):c.1658del (p.Leu553fs)

Gene: LZTR1 (leucine zipper like post translational regulator 1; plus strand). Cytogenetic location: 22q11.21.
Variant type: Deletion.
Coding change: c.1658del on transcript NM_006767.4 (MANE Select); coding-DNA position 1658, one base deleted (T; older notation c.1658delT).
Protein change: p.Leu553fs; shifts the reading frame from leucine 553.
Molecular consequence: frameshift variant.
Genome position (GRCh38, 1-based): chr22:20,994,600, T deleted. VCF-style (leftmost placement, unchanged base first): chr22-20994599-CT-C. GRCh37 (hg19) VCF-style: chr22-21348888-CT-C.
Other names: short protein forms L553fs.
Identifiers: ClinVar variation 5006460 (VCV005006460.2).